The following is an entry in ClinVar:

NM_001039141.3(TRIOBP):c.7009C>T (p.Arg2337Trp)

Gene: TRIOBP (TRIO and F-actin binding protein; plus strand). Cytogenetic location: 22q13.1.
Variant type: single nucleotide variant.
Coding change: c.7009C>T on transcript NM_001039141.3 (MANE Select); coding-DNA position 7009, C replaced by T.
Protein change: p.Arg2337Trp; replaces arginine 2337 with tryptophan.
Molecular consequence: missense variant.
Genome position (GRCh38, 1-based): chr22:37,772,673, C>T. VCF-style: chr22-37772673-C-T. GRCh37 (hg19) VCF-style: chr22-38168680-C-T.
Other names: c.1870C>T, p.Arg624Trp (NM_007032.5); short protein forms R2337W, R624W.
Identifiers: ClinVar variation 4702258 (VCV004702258.1).

ClinVar aggregate classification (germline): Uncertain significance (1 of 4 stars; one submission).

Submission:

Labcorp Genetics (formerly Invitae), Labcorp
Classification: Uncertain significance. Last evaluated: 2025-09-10. Review status: criteria provided, single submitter. Criteria: Invitae Variant Classification Sherloc (09022015). Collection method: clinical testing. Allele origin: germline.
Comment: This sequence change replaces arginine, which is basic and polar, with tryptophan, which is neutral and slightly polar, at codon 2337 of the TRIOBP protein (p.Arg2337Trp). This variant is present in population databases (rs757475898, gnomAD 0.008%). This variant has not been reported in the literature in individuals affected with TRIOBP-related conditions. An algorithm developed to predict the effect of missense changes on protein structure and function (PolyPhen-2) suggests that this variant is likely to be disruptive. In summary, the available evidence is currently insufficient to determine the role of this variant in disease. Therefore, it has been classified as a Variant of Uncertain Significance.